The following is an entry in ClinVar:

ClinVar aggregate classification (germline): Uncertain significance (1 of 4 stars; one submission).

Conditions:
Kabuki syndrome. Also called: NIIKAWA-KUROKI SYNDROME; Kabuki make-up syndrome. Identifiers: Orphanet 2322, MedGen C0796004, MONDO:0016512.

Submission:

Labcorp Genetics (formerly Invitae), Labcorp
Classification: Uncertain significance for Kabuki syndrome. Last evaluated: 2023-06-23. Review status: criteria provided, single submitter. Criteria: Invitae Variant Classification Sherloc (09022015). Collection method: clinical testing. Allele origin: germline.
Comment: This sequence change replaces glutamine, which is neutral and polar, with glutamic acid, which is acidic and polar, at codon 3862 of the KMT2D protein (p.Gln3862Glu). This variant is not present in population databases (gnomAD no frequency). This variant has not been reported in the literature in individuals affected with KMT2D-related conditions. Advanced modeling of protein sequence and biophysical properties (such as structural, functional, and spatial information, amino acid conservation, physicochemical variation, residue mobility, and thermodynamic stability) performed at Invitae indicates that this missense variant is not expected to disrupt KMT2D protein function. In summary, the available evidence is currently insufficient to determine the role of this variant in disease. Therefore, it has been classified as a Variant of Uncertain Significance.

NM_003482.4(KMT2D):c.11584C>G (p.Gln3862Glu)

Gene: KMT2D (lysine methyltransferase 2D; minus strand). Cytogenetic location: 12q13.12.
Variant type: single nucleotide variant.
Coding change: c.11584C>G on transcript NM_003482.4 (MANE Select); coding-DNA position 11584, C replaced by G.
Protein change: p.Gln3862Glu; replaces glutamine 3862 with glutamic acid.
Molecular consequence: missense variant.
Genome position (GRCh38, 1-based): chr12:49,033,121, G>C on the plus strand (C>G on the coding strand, the complement: KMT2D is on the minus strand). VCF-style: chr12-49033121-G-C. GRCh37 (hg19) VCF-style: chr12-49426904-G-C.
Other names: short protein forms Q3862E.
Identifiers: ClinVar variation 2725571 (VCV002725571.3), dbSNP rs773372079, ClinGen allele CA384717430.